The following is an entry in ClinVar:

NM_139058.3(ARX):c.437C>T (p.Ala146Val)

Genes: ARX (aristaless related homeobox; minus strand), LOC109610631 (aristaless related homeobox polyalanine expansion region; plus strand). Cytogenetic location: Xp21.3.
Variant type: single nucleotide variant.
Coding change: c.437C>T on transcript NM_139058.3 (MANE Select); coding-DNA position 437, C replaced by T.
Protein change: p.Ala146Val; replaces alanine 146 with valine.
Molecular consequence: missense variant.
Genome position (GRCh38, 1-based): chrX:25,013,558, G>A on the plus strand (C>T on the coding strand, the complement: ARX is on the minus strand). VCF-style: chrX-25013558-G-A. GRCh37 (hg19) VCF-style: chrX-25031675-G-A.
Other names: short protein forms A146V.
Identifiers: ClinVar variation 989377 (VCV000989377.5), dbSNP rs1391577394, ClinGen allele CA412613184.

ClinVar aggregate classification (germline): Uncertain significance. Review status: criteria provided, multiple submitters, no conflicts (2 of 4 stars). 2 submissions from 2 submitters: Uncertain significance (2). Last evaluated 2024-01-03.

Conditions:
Intellectual disability, X-linked, with or without seizures, ARX-related. Also called: INTELLECTUAL DEVELOPMENTAL DISORDER, X-LINKED 29; Mental retardation, X-linked 52; MENTAL RETARDATION, X-LINKED 29; MENTAL RETARDATION, X-LINKED 32; MENTAL RETARDATION, X-LINKED 33; MENTAL RETARDATION, X-LINKED 38. Identifiers: Orphanet 777, MedGen C0796244, MONDO:0010317, OMIM 300419.
Inborn genetic diseases. Identifiers: MedGen C0950123, MeSH D030342.

Allele frequency attached by ClinVar (database versions not stated): gnomAD exomes 0.00002.

Submissions (2):

Ambry Genetics
Classification: Uncertain significance for Inborn genetic diseases. Last evaluated: 2024-01-03. Review status: criteria provided, single submitter. Criteria: Ambry Variant Classification Scheme 2023. Collection method: clinical testing. Allele origin: germline.

Illumina Laboratory Services, Illumina
Classification: Uncertain significance for Intellectual disability, X-linked, with or without seizures, ARX-related. Last evaluated: 2019-07-23. Review status: criteria provided, single submitter. Criteria: ICSLVariantClassificationCriteria RUGD 01 April 2020. Collection method: clinical testing. Allele origin: unknown.
Comment: The ARX c.437C>T (p.Ala146Val) variant is a missense variant. A literature search was performed for the gene, cDNA change, and amino acid change. No publications were found based on this search. This variant is not found in the Genome Aggregation Database and is in a region of poor sequence coverage. Based on limited evidence, the p.Ala146Val variant is classified as a variant of uncertain significance for ARX-related disorders.